The following is an entry in ClinVar:

ClinVar aggregate classification (germline): Likely benign. Review status: criteria provided, multiple submitters, no conflicts (2 of 4 stars). 3 submissions from 3 submitters: Likely benign (3). Last evaluated 2026-01-26.

Conditions:
Hereditary spastic paraplegia 39 (SPG39). Also called: Spastic Paraplegia Type 39 (SPG39); SPASTIC PARAPLEGIA 39, AUTOSOMAL RECESSIVE. Identifiers: Orphanet 139480, MedGen C2677586, MONDO:0012787, OMIM 612020.

Allele frequency attached by ClinVar (database versions not stated): TOPMed 0.00041.
gnomAD v4.1: 49 of 1,613,566 alleles (0.003%); highest among the groups gnomAD compares: Admixed American, 0.057%; no homozygotes.

Submissions (3):

Labcorp Genetics (formerly Invitae), Labcorp
Classification: Likely benign for Hereditary spastic paraplegia 39. Last evaluated: 2026-01-26. Review status: criteria provided, single submitter. Criteria: Invitae Variant Classification Sherloc (09022015). Collection method: clinical testing. Allele origin: germline.

Mayo Clinic Laboratories, Mayo Clinic
Classification: Likely benign. Last evaluated: 2025-11-06. Review status: criteria provided, single submitter. Criteria: ACMG Guidelines, 2015. Collection method: clinical testing. Allele origin: germline. Observed: 1 variant allele.
Comment: BP4, BP7

Blueprint Genetics
Classification: Likely benign. Last evaluated: 2024-02-22. Review status: criteria provided, single submitter. Criteria: ACMG Guidelines, 2015. Collection method: clinical testing. Allele origin: germline.

NM_001166114.2(PNPLA6):c.741A>G (p.Glu247=)

Gene: PNPLA6 (patatin like domain 6, lysophospholipase; plus strand). Cytogenetic location: 19p13.2.
Variant type: single nucleotide variant.
Coding change: c.741A>G on transcript NM_001166114.2 (MANE Select); coding-DNA position 741, A replaced by G.
Protein change: p.Glu247=; no amino-acid change (glutamic acid 247 retained).
Molecular consequence: synonymous variant.
Genome position (GRCh38, 1-based): chr19:7,540,656, A>G. VCF-style: chr19-7540656-A-G. GRCh37 (hg19) VCF-style: chr19-7605542-A-G.
Other names: p.Glu208=; c.768A>G, p.Glu256= (NM_001166111.2); c.624A>G, p.Glu208= (NM_001166112.2, NM_001166113.1, NM_006702.5).
Identifiers: ClinVar variation 698522 (VCV000698522.12), dbSNP rs773587782, ClinGen allele CA9139551.